The following is an entry in ClinVar:

NM_003052.5(SLC34A1):c.320T>G (p.Met107Arg)

Gene: SLC34A1 (solute carrier family 34 member 1; plus strand). Cytogenetic location: 5q35.3.
Variant type: single nucleotide variant.
Coding change: c.320T>G on transcript NM_003052.5 (MANE Select); coding-DNA position 320, T replaced by G.
Protein change: p.Met107Arg; replaces methionine 107 with arginine.
Molecular consequence: missense variant.
Genome position (GRCh38, 1-based): chr5:177,386,281, T>G. VCF-style: chr5-177386281-T-G. GRCh37 (hg19) VCF-style: chr5-176813282-T-G.
Other names: c.320T>G, p.Met107Arg (NM_001167579.2); short protein forms M107R.
Identifiers: ClinVar variation 1417044 (VCV001417044.8), dbSNP rs752029334, ClinGen allele CA3580341.

ClinVar aggregate classification (germline): Uncertain significance (1 of 4 stars; one submission).

Allele frequency attached by ClinVar (database versions not stated): gnomAD exomes below 0.00001; TOPMed below 0.00001; ExAC 0.00001.

Submission:

Labcorp Genetics (formerly Invitae), Labcorp
Classification: Uncertain significance. Last evaluated: 2021-03-26. Review status: criteria provided, single submitter. Criteria: Invitae Variant Classification Sherloc (09022015). Collection method: clinical testing. Allele origin: germline.
Comment: Algorithms developed to predict the effect of missense changes on protein structure and function are either unavailable or do not agree on the potential impact of this missense change (SIFT: "Deleterious"; PolyPhen-2: "Benign"; Align-GVGD: "Class C0"). This variant has not been reported in the literature in individuals with SLC34A1-related conditions. This variant is present in population databases (rs752029334, ExAC 0.006%). This sequence change replaces methionine with arginine at codon 107 of the SLC34A1 protein (p.Met107Arg). The methionine residue is moderately conserved and there is a moderate physicochemical difference between methionine and arginine. In summary, the available evidence is currently insufficient to determine the role of this variant in disease. Therefore, it has been classified as a Variant of Uncertain Significance.